The following is an entry in ClinVar:

NM_000213.5(ITGB4):c.57C>T (p.Ser19=)

Gene: ITGB4 (integrin subunit beta 4; plus strand). Cytogenetic location: 17q25.1.
Variant type: single nucleotide variant.
Coding change: c.57C>T on transcript NM_000213.5 (MANE Select); coding-DNA position 57, C replaced by T.
Protein change: p.Ser19=; no amino-acid change (serine 19 retained).
Molecular consequence: synonymous variant.
Genome position (GRCh38, 1-based): chr17:75,724,760, C>T. VCF-style: chr17-75724760-C-T. GRCh37 (hg19) VCF-style: chr17-73720840-C-T.
Other names: c.57C>T, p.Ser19= (NM_001005619.2, NM_001005731.3, NM_001321123.2).
Identifiers: ClinVar variation 2721590 (VCV002721590.5), dbSNP rs145773550, ClinGen allele CA8768522.

ClinVar aggregate classification (germline): Benign. Review status: criteria provided, single submitter (1 of 4 stars). 2 submissions from 2 submitters: Benign (1). 1 of the submissions does not count toward it. Last evaluated 2025-12-23.

Conditions:
ITGB4-related disorder. Also called: ITGB4-related condition.

Allele frequency attached by ClinVar (database versions not stated): ExAC 0.00011; 1000 Genomes Project 0.00020; ESP Exome Variant Server 0.00023; TOPMed 0.00036; gnomAD exomes 0.00004; 1000 Genomes Project 30x 0.00016; gnomAD 0.00027.
gnomAD v4.1: 103 of 1,613,718 alleles (0.0064%); highest among the groups gnomAD compares: African/African-American, 0.087%; no homozygotes.

Submissions (2):

Labcorp Genetics (formerly Invitae), Labcorp
Classification: Benign. Last evaluated: 2025-12-23. Review status: criteria provided, single submitter. Criteria: Invitae Variant Classification Sherloc (09022015). Collection method: clinical testing. Allele origin: germline.

PreventionGenetics, part of Exact Sciences
Classification: Likely benign for ITGB4-related condition. Last evaluated: 2019-05-22. Review status: no assertion criteria provided. Collection method: clinical testing. Allele origin: germline. Not counted in ClinVar's aggregate classification.
Comment: This variant is classified as likely benign based on ACMG/AMP sequence variant interpretation guidelines (Richards et al. 2015 PMID: 25741868, with internal and published modifications).